The following is an entry in ClinVar:

ClinVar aggregate classification (germline): Uncertain significance (1 of 4 stars; one submission).

Conditions:
Inborn genetic diseases. Identifiers: MedGen C0950123, MeSH D030342.

Submission:

Ambry Genetics
Classification: Uncertain significance for Inborn genetic diseases. Last evaluated: 2022-04-08. Review status: criteria provided, single submitter. Criteria: Ambry Variant Classification Scheme 2023. Collection method: clinical testing. Allele origin: germline.
Comment: The p.T134S variant (also known as c.401C>G), located in coding exon 4 of the RAD51 gene, results from a C to G substitution at nucleotide position 401. The threonine at codon 134 is replaced by serine, an amino acid with similar properties. This amino acid position is conserved. In addition, the in silico prediction for this alteration is inconclusive. Since supporting evidence is limited at this time, the clinical significance of this alteration remains unclear.

NM_002875.5(RAD51):c.401C>G (p.Thr134Ser)

Gene: RAD51 (RAD51 recombinase; plus strand). Cytogenetic location: 15q15.1.
Variant type: single nucleotide variant.
Coding change: c.401C>G on transcript NM_002875.5 (MANE Select); coding-DNA position 401, C replaced by G.
Protein change: p.Thr134Ser; replaces threonine 134 with serine.
Molecular consequence: missense variant.
Genome position (GRCh38, 1-based): chr15:40,709,082, C>G. VCF-style: chr15-40709082-C-G. GRCh37 (hg19) VCF-style: chr15-41001280-C-G.
Other names: c.404C>G, p.Thr135Ser (NM_001164269.2, NM_133487.4); c.401C>G, p.Thr134Ser (NM_001164270.2); short protein forms T134S, T135S.
Identifiers: ClinVar variation 1737090 (VCV001737090.2), dbSNP rs2504450920, ClinGen allele CA391751233.
Genomic context (GRCh38, chr15:40,709,082, plus strand): 5'-TAGGTGGAATTGAGACTGGATCTATCACAGAAATGTTTGGAGAATTCCGAACTGGGAAGA[C>G]CCAGATCTGTCATACGCTAGCTGTCACCTGCCAGGTGAGCTGTTGGGGCTATAGCTAATC-3'
Protein context (NP_002866.2, residues 124-144): EMFGEFRTGK[Thr134Ser]QICHTLAVTC